The following is an entry in ClinVar:

NM_001378778.1(MPDZ):c.3992G>T (p.Gly1331Val)

Gene: MPDZ (multiple PDZ domain crumbs cell polarity complex component; minus strand). Cytogenetic location: 9p23.
Variant type: single nucleotide variant.
Coding change: c.3992G>T on transcript NM_001378778.1 (MANE Select); coding-DNA position 3992, G replaced by T.
Protein change: p.Gly1331Val; replaces glycine 1331 with valine.
Molecular consequence: missense variant.
Genome position (GRCh38, 1-based): chr9:13,139,998, C>A on the plus strand (G>T on the coding strand, the complement: MPDZ is on the minus strand). VCF-style: chr9-13139998-C-A. GRCh37 (hg19) VCF-style: chr9-13139997-C-A.
Other names: c.3893G>T, p.Gly1298Val (NM_001261406.2, NM_001261407.2, NM_001375416.1 and 3 more transcripts); c.3992G>T, p.Gly1331Val (NM_001330637.2, NM_001375413.1, NM_003829.5); c.3782G>T, p.Gly1261Val (NM_001375420.1, NM_001375421.1, NM_001375422.1 and 4 more transcripts); c.3584G>T, p.Gly1195Val (NM_001375427.1); short protein forms G1195V, G1298V, G1261V, G1331V.
Identifiers: ClinVar variation 1987866 (VCV001987866.1), dbSNP rs941129976, ClinGen allele CA189300358.

ClinVar aggregate classification (germline): Uncertain significance (1 of 4 stars; one submission).

Allele frequency attached by ClinVar (database versions not stated): TOPMed below 0.00001; gnomAD exomes 0.00001.
gnomAD v4.1: 8 of 1,613,514 alleles (0.0005%); highest among the groups gnomAD compares: Non-Finnish European, 0.00068%; no homozygotes.

Submission:

Labcorp Genetics (formerly Invitae), Labcorp
Classification: Uncertain significance. Last evaluated: 2022-01-12. Review status: criteria provided, single submitter. Criteria: Invitae Variant Classification Sherloc (09022015). Collection method: clinical testing. Allele origin: germline.
Comment: This sequence change replaces glycine, which is neutral and non-polar, with valine, which is neutral and non-polar, at codon 1331 of the MPDZ protein (p.Gly1331Val). This variant is not present in population databases (gnomAD no frequency). This variant has not been reported in the literature in individuals affected with MPDZ-related conditions. Algorithms developed to predict the effect of missense changes on protein structure and function (SIFT, PolyPhen-2, Align-GVGD) all suggest that this variant is likely to be disruptive. In summary, the available evidence is currently insufficient to determine the role of this variant in disease. Therefore, it has been classified as a Variant of Uncertain Significance.